The following is an entry in ClinVar:

NM_001008537.3(NEXMIF):c.1000C>T (p.Gln334Ter)

Gene: NEXMIF (neurite extension and migration factor; minus strand). Cytogenetic location: Xq13.3.
Variant type: single nucleotide variant.
Coding change: c.1000C>T on transcript NM_001008537.3 (MANE Select); coding-DNA position 1000, C replaced by T.
Protein change: p.Gln334Ter; replaces glutamine 334 with a stop codon.
Molecular consequence: nonsense.
Genome position (GRCh38, 1-based): chrX:74,743,557, G>A on the plus strand (C>T on the coding strand, the complement: NEXMIF is on the minus strand). VCF-style: chrX-74743557-G-A. GRCh37 (hg19) VCF-style: chrX-73963392-G-A.
Other names: short protein forms Q334*.
Identifiers: ClinVar variation 1459689 (VCV001459689.6), dbSNP rs2147441295, ClinGen allele CA413671882.

ClinVar aggregate classification (germline): Pathogenic (1 of 4 stars; one submission).

Submission:

Labcorp Genetics (formerly Invitae), Labcorp
Classification: Pathogenic. Last evaluated: 2021-08-18. Review status: criteria provided, single submitter. Criteria: Invitae Variant Classification Sherloc (09022015). Collection method: clinical testing. Allele origin: germline.
Comment: This sequence change creates a premature translational stop signal (p.Gln334*) in the NEXMIF gene. It is expected to result in an absent or disrupted protein product. Loss-of-function variants in NEXMIF are known to be pathogenic (PMID: 23615299). This variant is not present in population databases (ExAC no frequency). This variant has not been reported in the literature in individuals affected with NEXMIF-related conditions. For these reasons, this variant has been classified as Pathogenic.

Literature cited by the submitters: PubMed 23615299.